The following continues an entry in ClinVar:

NM_004360.5(CDH1):c.1888C>G (p.Leu630Val)

Gene: CDH1. ClinVar aggregate classification (germline): Benign. Benign (1).

Submission 16 of 16:

Department of Pathology and Laboratory Medicine, Sinai Health System
Classification: Likely benign for Malignant tumor of breast. Review status: no assertion criteria provided. Collection method: clinical testing. Allele origin: unknown. Affected: yes. Study: The Canadian Open Genetics Repository (COGR). Not counted in ClinVar's aggregate classification.
Comment: The CDH1 p.Leu630Val variant was identified in 3 of 512 proband chromosomes (frequency: 0.006) from individuals or families with gastric cancer or oral cleft and was present in 2 of 480 control chromosomes (frequency: 0.004) from healthy individuals (Chen 2013, Huang 2017). The variant was also identified in dbSNP (ID: rs2276331) as "With other allele", ClinVar (classified as benign by ClinGen CDH1 Variant Curation Expert Panel, Ambry Genetics, Invitae; and as likely benign by GeneDx, Quest Diagnostics, Color Genomics). The variant was identified in control databases in 102 of 277212 chromosomes at a frequency of 0.0004 increasing the likelihood this could be a low frequency benign variant (Genome Aggregation Database Feb 27, 2017). The variant was observed in the following populations: Other in 3 of 6464 chromosomes (freq: 0.0005), East Asian in 98 of 18866 chromosomes (freq: 0.005), and South Asian in 1 of 30782 chromosomes (freq: 0.00003); it was not observed in the African, Latino, European Non-Finnish, Ashkenazi Jewish, or Finnish, populations. Two studies assessed the p.Leu630Val variant using in silico analysis and consider it to be â€šÃ„Ãºprobably damagingâ€šÃ„Ã¹, however it was recommended that in vitro studies would be necessary to confirm the findings (Chen 2013, Santhiya 2013). The p.Leu630 residue is conserved in mammals and computational analyses (PolyPhen-2, SIFT, AlignGVGD, BLOSUM, MutationTaster) provide inconsistent predictions regarding the impact to the protein; this information is not very predictive of pathogenicity. The variant occurs outside of the splicing consensus sequence and in silico or computational prediction software programs (SpliceSiteFinder, MaxEntScan, NNSPLICE, GeneSplicer) do not predict a difference in splicing. In summary, based on the above information the clinical significance of this variant cannot be determined with certainty at this time although we would lean towards a more benign role for this variant. This variant is classified as likely benign.

Literature cited by the submitters: PubMed 25648022 (cited by Quest Diagnostics Nichols Institute San Juan Capistrano); PubMed 23431106 (cited by 3 submitters); PubMed 26757417 (cited by Quest Diagnostics Nichols Institute San Juan Capistrano and Illumina Laboratory Services, Illumina); PubMed 25980754 (cited by Quest Diagnostics Nichols Institute San Juan Capistrano); PubMed 26707089 (cited by Quest Diagnostics Nichols Institute San Juan Capistrano and Illumina Laboratory Services, Illumina); PubMed 36436516 (cited by European Reference Network on Genetic Tumour Risk Syndromes (ERN-GENTURIS), i3s - Instituto de Investigação e Inovação em Saúde, University of Porto); PubMed 26086041 (cited by Women's Health and Genetics/Laboratory Corporation of America, LabCorp); PubMed 27227907 (cited by Illumina Laboratory Services, Illumina); PubMed 24728327 (cited by ITMI).